The following is an entry in ClinVar:

NM_001355436.2(SPTB):c.2662C>T (p.His888Tyr)

Gene: SPTB (spectrin beta, erythrocytic; minus strand). Cytogenetic location: 14q23.3.
Variant type: single nucleotide variant.
Coding change: c.2662C>T on transcript NM_001355436.2 (MANE Select); coding-DNA position 2662, C replaced by T.
Protein change: p.His888Tyr; replaces histidine 888 with tyrosine.
Molecular consequence: missense variant.
Genome position (GRCh38, 1-based): chr14:64,793,001, G>A on the plus strand (C>T on the coding strand, the complement: SPTB is on the minus strand). VCF-style: chr14-64793001-G-A. GRCh37 (hg19) VCF-style: chr14-65259719-G-A.
Other names: p.His888Tyr; c.2662C>T, p.His888Tyr (NM_001024858.4, NM_001355437.2); short protein forms H888Y.
Identifiers: ClinVar variation 2683257 (VCV002683257.1), dbSNP rs780485535, ClinGen allele CA7230820.

ClinVar aggregate classification (germline): Uncertain significance (1 of 4 stars; one submission).

Allele frequency attached by ClinVar (database versions not stated): gnomAD exomes below 0.00001; ExAC 0.00001; gnomAD 0.00001.
gnomAD v4.1: 6 of 1,613,824 alleles (0.00037%); highest among the groups gnomAD compares: Non-Finnish European, 0.00042%; no homozygotes.

Submission:

Mayo Clinic Laboratories, Mayo Clinic
Classification: Uncertain significance. Last evaluated: 2022-12-13. Review status: criteria provided, single submitter. Criteria: ACMG Guidelines, 2015. Collection method: clinical testing. Allele origin: germline. Observed: 1 variant allele.
Comment: BP4